The following is an entry in ClinVar:

ClinVar aggregate classification (germline): Uncertain significance (1 of 4 stars; one submission).

Allele frequency attached by ClinVar (database versions not stated): gnomAD exomes below 0.00001; TOPMed below 0.00001.
gnomAD v4.1: 1 of 1,610,458 alleles (0.000062%); highest among the groups gnomAD compares: Non-Finnish European, 0.000085%; no homozygotes.

Submission:

GeneDx
Classification: Uncertain significance. Last evaluated: 2016-12-15. Review status: criteria provided, single submitter. Criteria: GeneDx Variant Classification (06012015). Collection method: clinical testing. Allele origin: germline. Affected: yes.
Comment: A variant of uncertain significance has been identified in the SCN1A gene. The V852M variant has not been published as a pathogenic variant, nor has it been reported as a benign variant to our knowledge. The V852M variant is not observed in large population cohorts (Lek et al., 2016; 1000 Genomes Consortium et al., 2015; Exome Variant Server). This substitution occurs at a position that is conserved in mammals and is predicted to be within the extracellular loop between the S3 and S4 transmembrane segments of the second homologous domain. However, the V852M variant is a conservative amino acid substitution, which is not likely to impact secondary protein structure as these residues share similar properties. In silico analysis is inconsistent in its predictions as to whether or not the variant is damaging to the protein structure/function. Therefore, based on the currently available information, it is unclear whether this variant is a pathogenic variant or a rare benign variant.

NM_001165963.4(SCN1A):c.2554G>A (p.Val852Met)

Gene: SCN1A (sodium voltage-gated channel alpha subunit 1; minus strand). Cytogenetic location: 2q24.3.
Variant type: single nucleotide variant.
Coding change: c.2554G>A on transcript NM_001165963.4 (MANE Select); coding-DNA position 2554, G replaced by A.
Protein change: p.Val852Met; replaces valine 852 with methionine.
Molecular consequence: missense variant. On other transcripts: non-coding transcript variant (1).
Genome position (GRCh38, 1-based): chr2:166,039,458, C>T on the plus strand (G>A on the coding strand, the complement: SCN1A is on the minus strand). VCF-style: chr2-166039458-C-T. GRCh37 (hg19) VCF-style: chr2-166895968-C-T.
Other names: c.2470G>A, p.Val824Met (NM_001165964.3, NM_001353957.2, NM_001353958.2); c.2554G>A, p.Val852Met (NM_001202435.3, NM_001353948.2); c.2521G>A, p.Val841Met (NM_001353949.2, NM_001353950.2, NM_001353951.2 and 2 more transcripts); c.2518G>A, p.Val840Met (NM_001353954.2, NM_001353955.2); c.2467G>A, p.Val823Met (NM_001353960.2); c.112G>A, p.Val38Met (NM_001353961.2); short protein forms V841M, V852M, V840M, V38M, V824M, V823M.
Identifiers: ClinVar variation 391718 (VCV000391718.2), dbSNP rs1057524206, ClinGen allele CA16603939.